The following is an entry in ClinVar:

ClinVar aggregate classification (germline): Likely benign. Review status: criteria provided, single submitter (1 of 4 stars). 2 submissions from 2 submitters: Likely benign (1). 1 of the submissions does not count toward it. Last evaluated 2026-01-19.

Conditions:
KPNA7-related disorder. Also called: KPNA7-related condition.

Allele frequency attached by ClinVar (database versions not stated): gnomAD exomes 0.00008 and 0.00017; ExAC 0.00028; gnomAD 0.00063 and 0.00066; TOPMed 0.00067; ESP Exome Variant Server 0.00088.
gnomAD v4.1: 208 of 1,550,174 alleles (0.013%); highest among the groups gnomAD compares: African/African-American, 0.21%; no homozygotes.

Submissions (2):

Labcorp Genetics (formerly Invitae), Labcorp
Classification: Likely benign. Last evaluated: 2026-01-19. Review status: criteria provided, single submitter. Criteria: Invitae Variant Classification Sherloc (09022015). Collection method: clinical testing. Allele origin: germline.

PreventionGenetics, part of Exact Sciences
Classification: Likely benign for KPNA7-related condition. Last evaluated: 2023-02-21. Review status: no assertion criteria provided. Collection method: clinical testing. Allele origin: germline. Not counted in ClinVar's aggregate classification.
Comment: This variant is classified as likely benign based on ACMG/AMP sequence variant interpretation guidelines (Richards et al. 2015 PMID: 25741868, with internal and published modifications).

NM_001145715.3(KPNA7):c.893A>G (p.Asn298Ser)

Gene: KPNA7 (karyopherin subunit alpha 7; minus strand). Cytogenetic location: 7q22.1.
Variant type: single nucleotide variant.
Coding change: c.893A>G on transcript NM_001145715.3 (MANE Select); coding-DNA position 893, A replaced by G.
Protein change: p.Asn298Ser; replaces asparagine 298 with serine.
Molecular consequence: missense variant.
Genome position (GRCh38, 1-based): chr7:99,188,307, T>C on the plus strand (A>G on the coding strand, the complement: KPNA7 is on the minus strand). VCF-style: chr7-99188307-T-C. GRCh37 (hg19) VCF-style: chr7-98785930-T-C.
Other names: c.893A>G (NM_001145715.2); short protein forms N298S.
Identifiers: ClinVar variation 698601 (VCV000698601.13), dbSNP rs371196094, ClinGen allele CA4363175.